The following is an entry in ClinVar:

ClinVar aggregate classification (germline): Pathogenic (1 of 4 stars; one submission).

Submission:

ISCA site 15
Classification: Pathogenic. Last evaluated: 2011-08-12. Review status: criteria provided, single submitter. Criteria: Kaminsky et al. (Genet Med. 2011). Collection method: clinical testing. Allele origin: unknown. Affected: yes. Observed: 1 variant allele.
Comment: Copy number variation identified through the course of routine clinical cytogenomic testing in postnatal populations. Clinical assertions have been curated as described in Kaminsky et al. 2011.

GRCh38/hg38 20p13(chr20:89939-1939218)x1

Genes: ANGPT4 (angiopoietin 4; minus strand), C20orf202 (chromosome 20 open reading frame 202; plus strand), C20orf96 (chromosome 20 open reading frame 96; minus strand), CSNK2A1 (casein kinase 2 alpha 1; minus strand), DEFB125 (defensin beta 125; plus strand) and 107 more. Cytogenetic location: 20p13.
Variant type: copy number loss.
Change: copy number 1 (one copy instead of two) of chr20:89,939-1,939,218 (1.85 Mb, GRCh38 coordinates, 1-based), cytogenetic band 20p13.
Identifiers: ClinVar variation 58942 (VCV000058942.1).